The following is an entry in ClinVar:

NM_144498.4(OSBPL2):c.76G>A (p.Ala26Thr)

Gene: OSBPL2 (oxysterol binding protein like 2; plus strand). Cytogenetic location: 20q13.33.
Variant type: single nucleotide variant.
Coding change: c.76G>A on transcript NM_144498.4 (MANE Select); coding-DNA position 76, G replaced by A.
Protein change: p.Ala26Thr; replaces alanine 26 with threonine.
Molecular consequence: missense variant. On other transcripts: 5 prime UTR variant (1), intron variant (1).
Genome position (GRCh38, 1-based): chr20:62,260,019, G>A. VCF-style: chr20-62260019-G-A. GRCh37 (hg19) VCF-style: chr20-60835075-G-A.
Other names: c.-291G>A (NM_001363878.2); c.40G>A, p.Ala14Thr (NM_014835.5); c.-184-3597G>A (NM_001278649.3); short protein forms A26T, A14T.
Identifiers: ClinVar variation 667053 (VCV000667053.15), dbSNP rs79783838, ClinGen allele CA9938331.

ClinVar aggregate classification (germline): Benign. Review status: criteria provided, multiple submitters, no conflicts (2 of 4 stars). 4 submissions from 4 submitters: Benign (4). Last evaluated 2026-01-19.

Allele frequency attached by ClinVar (database versions not stated): gnomAD exomes 0.00102 and 0.00268; gnomAD 0.01158 and 0.01082; TOPMed 0.01209; 1000 Genomes Project 30x 0.01093; ESP Exome Variant Server 0.01192; ExAC 0.00310; 1000 Genomes Project 0.01038.
gnomAD v4.1: 3,228 of 1,613,896 alleles (0.2%); highest among the groups gnomAD compares: African/African-American, 3.8%; 73 homozygotes.

Submissions (4):

Labcorp Genetics (formerly Invitae), Labcorp
Classification: Benign. Last evaluated: 2026-01-19. Review status: criteria provided, single submitter. Criteria: Invitae Variant Classification Sherloc (09022015). Collection method: clinical testing. Allele origin: germline.

GeneDx
Classification: Benign. Last evaluated: 2018-05-25. Review status: criteria provided, single submitter. Criteria: GeneDx Variant Classification (06012015). Collection method: clinical testing. Allele origin: germline. Affected: yes.
Comment: This variant is considered likely benign or benign based on one or more of the following criteria: it is a conservative change, it occurs at a poorly conserved position in the protein, it is predicted to be benign by multiple in silico algorithms, and/or has population frequency not consistent with disease.

Laboratory for Molecular Medicine, Mass General Brigham Personalized Medicine
Classification: Benign. Last evaluated: 2017-08-23. Review status: criteria provided, single submitter. Criteria: LMM Criteria. Collection method: clinical testing. Allele origin: germline. Observed: 2 variant alleles.
Comment: p.Ala26Thr in exon 3 of OSBPL2: This variant is not expected to have clinical si gnificance because it has been identified in 3.52% (364/10354) of African chromo somes by the Exome Aggregation Consortium (ExAC; dbSNP rs79783838).

Breakthrough Genomics
Classification: Benign. Review status: criteria provided, single submitter. Criteria: ACMG Guidelines, 2015. Collection method: not provided. Allele origin: germline. Inheritance: Autosomal dominant inheritance. Affected: yes.